The following is an entry in ClinVar:

ClinVar aggregate classification (germline): Uncertain significance. Review status: criteria provided, multiple submitters, no conflicts (2 of 4 stars). 2 submissions from 2 submitters: Uncertain significance (2). Last evaluated 2025-05-14.

Conditions:
Long QT syndrome (LQTS). Identifiers: MedGen C0023976, MeSH D008133, MONDO:0002442. Disease mechanism: loss of function. Inheritance: Various modes of inheritance.

Allele frequency attached by ClinVar (database versions not stated): gnomAD 0.00001 and 0.00002; TOPMed 0.00002.
gnomAD v4.1: 64 of 1,609,806 alleles (0.004%); highest among the groups gnomAD compares: East Asian, 0.0089%; no homozygotes.

Submissions (2):

Labcorp Genetics (formerly Invitae), Labcorp
Classification: Uncertain significance for Long QT syndrome. Last evaluated: 2025-05-14. Review status: criteria provided, single submitter. Criteria: Invitae Variant Classification Sherloc (09022015). Collection method: clinical testing. Allele origin: germline.
Comment: This sequence change replaces valine, which is neutral and non-polar, with isoleucine, which is neutral and non-polar, at codon 1923 of the AKAP9 protein (p.Val1923Ile). The frequency data for this variant in the population databases is considered unreliable, as metrics indicate poor data quality at this position in the gnomAD database. This variant has not been reported in the literature in individuals affected with AKAP9-related conditions. ClinVar contains an entry for this variant (Variation ID: 1163284). An algorithm developed to predict the effect of missense changes on protein structure and function outputs the following: PolyPhen-2: "Benign". The isoleucine amino acid residue is found in multiple mammalian species, which suggests that this missense change does not adversely affect protein function. In summary, the available evidence is currently insufficient to determine the role of this variant in disease. Therefore, it has been classified as a Variant of Uncertain Significance.

Mayo Clinic Laboratories, Mayo Clinic
Classification: Uncertain significance. Last evaluated: 2020-10-22. Review status: criteria provided, single submitter. Criteria: ACMG Guidelines, 2015. Collection method: clinical testing. Allele origin: germline. Observed: 1 variant allele.

NM_005751.5(AKAP9):c.5767G>A (p.Val1923Ile)

Gene: AKAP9 (A-kinase anchoring protein 9; plus strand). Cytogenetic location: 7q21.2.
Variant type: single nucleotide variant.
Coding change: c.5767G>A on transcript NM_005751.5 (MANE Select); coding-DNA position 5767, G replaced by A.
Protein change: p.Val1923Ile; replaces valine 1923 with isoleucine.
Molecular consequence: missense variant.
Genome position (GRCh38, 1-based): chr7:92,062,276, G>A. VCF-style: chr7-92062276-G-A. GRCh37 (hg19) VCF-style: chr7-91691590-G-A.
Other names: c.412G>A, p.Val138Ile (NM_001379277.1); c.5767G>A, p.Val1923Ile (NM_147185.3); short protein forms V138I, V1923I.
Identifiers: ClinVar variation 1163284 (VCV001163284.6), dbSNP rs755463664, ClinGen allele CA4336917.